The following is an entry in ClinVar:

NM_021615.5(CHST6):c.7C>A (p.Leu3Met)

Gene: CHST6 (carbohydrate sulfotransferase 6; minus strand). Cytogenetic location: 16q23.1.
Variant type: single nucleotide variant.
Coding change: c.7C>A on transcript NM_021615.5 (MANE Select); coding-DNA position 7, C replaced by A.
Protein change: p.Leu3Met; replaces leucine 3 with methionine.
Molecular consequence: missense variant.
Genome position (GRCh38, 1-based): chr16:75,479,822, G>T on the plus strand (C>A on the coding strand, the complement: CHST6 is on the minus strand). VCF-style: chr16-75479822-G-T. GRCh37 (hg19) VCF-style: chr16-75513720-G-T.
Other names: short protein forms L3M.
Identifiers: ClinVar variation 885142 (VCV000885142.5), dbSNP rs780317850, ClinGen allele CA8175611.

ClinVar aggregate classification (germline): Uncertain significance. Review status: criteria provided, multiple submitters, no conflicts (2 of 4 stars). 2 submissions from 2 submitters: Uncertain significance (2). Last evaluated 2017-04-27.

Conditions:
Macular corneal dystrophy (MCD). Also called: Macular corneal dystrophy Type I; GROENOUW TYPE II CORNEAL DYSTROPHY. Identifiers: Orphanet 98969, MedGen C1636149, MONDO:0009020, OMIM 217800.

Allele frequency attached by ClinVar (database versions not stated): ExAC 0.00016.
gnomAD v4.1: 19 of 1,556,188 alleles (0.0012%); highest among the groups gnomAD compares: South Asian, 0.022%; no homozygotes.

Submissions (2):

Illumina Laboratory Services, Illumina
Classification: Uncertain significance for Macular corneal dystrophy. Last evaluated: 2017-04-27. Review status: criteria provided, single submitter. Criteria: ICSL Variant Classification Criteria 13 December 2019. Collection method: clinical testing. Allele origin: germline.

Neuberg Centre For Genomic Medicine, NCGM
Classification: Uncertain significance for Macular corneal dystrophy. Review status: criteria provided, single submitter. Criteria: ACMG Guidelines, 2015. Collection method: clinical testing. Allele origin: germline. Inheritance: Autosomal recessive inheritance. Affected: yes.
Comment: The missense c.7C>Ap.Leu3Met variant in CHST6 gene has been reported previously in homozygous state along with another variant [c.6G>A | p.Trp2Ter], in individuals affected with macular corneal dystrophy Sultana A, et al., 2009; Sultana A, et al., 2005. The p.Leu3Met variant has been reported with allele frequency of 0.005% in gnomAD Exomes and is novel not in any individuals in 1000 Genomes. This variant has been reported to the ClinVar database as Uncertain Significance. The amino acid change p.Leu3Met in CHST6 is predicted as conserved by GERP++ and PhyloP across 100 vertebrates. The amino acid Leu at position 3 is changed to a Met changing protein sequence and it might alter its composition and physico-chemical properties. For these reasons, this variant has been classified as a Variant of Uncertain Significance VUS.